The following is an entry in ClinVar:

ClinVar aggregate classification (germline): Conflicting classifications of pathogenicity. Review status: criteria provided, conflicting classifications (1 of 4 stars). 3 submissions from 3 submitters: Uncertain significance (2); Benign (1). Last evaluated 2025-10-27.

Conditions:
Myofibrillar myopathy 4. Also called: Zaspopathy (type). Identifiers: Orphanet 98912, MedGen C4721886, MONDO:0012277, OMIM 609452.
Cardiovascular phenotype. Identifiers: MedGen CN230736.

Allele frequency attached by ClinVar (database versions not stated): ExAC 0.00002; gnomAD exomes 0.00002; TOPMed 0.00002; gnomAD 0.00003 and 0.00004.
gnomAD v4.1: 39 of 1,612,892 alleles (0.0024%); highest among the groups gnomAD compares: Admixed American, 0.0033%; no homozygotes.

Submissions (3):

Labcorp Genetics (formerly Invitae), Labcorp
Classification: Uncertain significance for Myofibrillar myopathy 4. Last evaluated: 2025-10-27. Review status: criteria provided, single submitter. Criteria: Invitae Variant Classification Sherloc (09022015). Collection method: clinical testing. Allele origin: germline.
Comment: The LDB3 gene has multiple clinically relevant transcripts. This variant occurs in alternate transcript NM_007078.3, and corresponds to NM_001080116.1:c.321+1408G>A in the primary transcript. This sequence change replaces alanine, which is neutral and non-polar, with threonine, which is neutral and polar, at codon 151 of the LDB3 protein (p.Ala151Thr). This variant is present in population databases (rs780578350, gnomAD 0.01%). This variant has not been reported in the literature in individuals affected with LDB3-related conditions. ClinVar contains an entry for this variant (Variation ID: 706593). Experimental studies and prediction algorithms are not available or were not evaluated, and the functional significance of this variant is currently unknown. Algorithms developed to predict the effect of sequence changes on RNA splicing suggest that this variant is not likely to affect RNA splicing. In summary, the available evidence is currently insufficient to determine the role of this variant in disease. Therefore, it has been classified as a Variant of Uncertain Significance.

Ambry Genetics
Classification: Uncertain significance for Cardiovascular phenotype. Last evaluated: 2025-10-14. Review status: criteria provided, single submitter. Criteria: Ambry Variant Classification Scheme 2023. Collection method: clinical testing. Allele origin: germline.
Comment: The p.A151T variant (also known as c.451G>A), located in coding exon 4 of the LDB3 gene, results from a G to A substitution at nucleotide position 451. The alanine at codon 151 is replaced by threonine, an amino acid with similar properties. This amino acid position is conserved. In addition, this alteration is predicted to be tolerated by in silico analysis. Since supporting evidence is limited at this time, the clinical significance of this alteration remains unclear.

Laboratory of Genetics, Children's Clinical University Hospital Latvia
Classification: Benign. Last evaluated: 2025-02-16. Review status: criteria provided, single submitter. Criteria: ACMG Guidelines, 2015. Collection method: clinical testing. Allele origin: germline. Affected: yes.

NM_007078.3(LDB3):c.451G>A (p.Ala151Thr)

Gene: LDB3 (LIM domain binding 3; plus strand). Cytogenetic location: 10q23.2.
Variant type: single nucleotide variant.
Coding change: c.451G>A on transcript NM_007078.3 (MANE Select); coding-DNA position 451, G replaced by A.
Protein change: p.Ala151Thr; replaces alanine 151 with threonine.
Molecular consequence: missense variant. On other transcripts: intron variant (5).
Genome position (GRCh38, 1-based): chr10:86,681,565, G>A. VCF-style: chr10-86681565-G-A. GRCh37 (hg19) VCF-style: chr10-88441322-G-A.
Other names: c.451G>A (NM_007078.2); c.321+1408G>A (NM_001080116.1, NM_001368068.1, NM_001368066.1 and 2 more transcripts); c.451G>A, p.Ala151Thr (NM_001080115.2, NM_001171610.2, NM_001171611.2 and 3 more transcripts); short protein forms A151T.
Identifiers: ClinVar variation 706593 (VCV000706593.12), dbSNP rs780578350, ClinGen allele CA5584708.
Genomic context (GRCh38, chr10:86,681,565, plus strand): 5'-GGCACCCCAGGCACCCCGGAGCTCAGGCCCACCTTTAGCCCTGCCTTCTCCCGGCCCTCC[G>A]CCTTCTCCTCACTCGCCGAGGCCTCTGACCCTGGCCCTCCGCGGGCCAGCCTGAGGGCCA-3'
Protein context (NP_009009.1, residues 141-161): TFSPAFSRPS[Ala151Thr]FSSLAEASDP